The following is an entry in ClinVar:

ClinVar aggregate classification (germline): Uncertain significance. Review status: criteria provided, multiple submitters, no conflicts (2 of 4 stars). 2 submissions from 2 submitters: Uncertain significance (2). Last evaluated 2025-09-10.

Conditions:
Inborn genetic diseases. Identifiers: MedGen C0950123, MeSH D030342.
Mucopolysaccharidosis, MPS-III-D (MPS3D). Also called: N-ACETYLGLUCOSAMINE-6-SULFATASE DEFICIENCY; SANFILIPPO SYNDROME D; MPS III D; Mucopoly-saccharidosis type 3D; N-acetylglucosamine-6-sulfate sulfatase deficiency; MPS 3D. Identifiers: Orphanet 581, Orphanet 79272, MedGen C0086650, MONDO:0009658, OMIM 252940.

Allele frequency attached by ClinVar (database versions not stated): gnomAD 0.00001; TOPMed below 0.00001.

Submissions (2):

Ambry Genetics
Classification: Uncertain significance for Inborn genetic diseases. Last evaluated: 2025-09-10. Review status: criteria provided, single submitter. Criteria: Ambry Variant Classification Scheme 2023. Collection method: clinical testing. Allele origin: germline.

Labcorp Genetics (formerly Invitae), Labcorp
Classification: Uncertain significance for Mucopolysaccharidosis, MPS-III-D. Last evaluated: 2022-05-09. Review status: criteria provided, single submitter. Criteria: Invitae Variant Classification Sherloc (09022015). Collection method: clinical testing. Allele origin: germline.
Comment: Algorithms developed to predict the effect of missense changes on protein structure and function (SIFT, PolyPhen-2, Align-GVGD) all suggest that this variant is likely to be disruptive. This variant has not been reported in the literature in individuals affected with GNS-related conditions. This variant is present in population databases (no rsID available, gnomAD 0.01%). This sequence change replaces threonine, which is neutral and polar, with asparagine, which is neutral and polar, at codon 185 of the GNS protein (p.Thr185Asn). In summary, the available evidence is currently insufficient to determine the role of this variant in disease. Therefore, it has been classified as a Variant of Uncertain Significance.

NM_002076.4(GNS):c.554C>A (p.Thr185Asn)

Gene: GNS (glucosamine (N-acetyl)-6-sulfatase; minus strand). Cytogenetic location: 12q14.3.
Variant type: single nucleotide variant.
Coding change: c.554C>A on transcript NM_002076.4 (MANE Select); coding-DNA position 554, C replaced by A.
Protein change: p.Thr185Asn; replaces threonine 185 with asparagine.
Molecular consequence: missense variant.
Genome position (GRCh38, 1-based): chr12:64,744,879, G>T on the plus strand (C>A on the coding strand, the complement: GNS is on the minus strand). VCF-style: chr12-64744879-G-T. GRCh37 (hg19) VCF-style: chr12-65138659-G-T.
Other names: c.554C>A (NM_002076.3); short protein forms T185N.
Identifiers: ClinVar variation 2172551 (VCV002172551.5), dbSNP rs1450865004, ClinGen allele CA385609565.
Genomic context (GRCh38, chr12:64,744,879, plus strand): 5'-GTCAGGTAGTCCACACTATAGTTTTCACCATGCTTCCGTGCCTTCCCATTGATAGACAGG[G>T]TGTAATTATAATACTTAGAATTCTTTTCCTATTAAAAAGAGGAAAGTCAAATTTGTTATG-3'
Protein context (NP_002067.1, residues 175-195): LEKNSKYYNY[Thr185Asn]LSINGKARKH